The following is an entry in ClinVar:

ClinVar aggregate classification (germline): Conflicting classifications of pathogenicity. Review status: criteria provided, conflicting classifications (1 of 4 stars). 3 submissions from 3 submitters: Uncertain significance (2); Likely benign (1). Last evaluated 2025-10-01.

Conditions:
Cardiovascular phenotype. Identifiers: MedGen CN230736.
Long QT syndrome (LQTS). Identifiers: MedGen C0023976, MeSH D008133, MONDO:0002442. Disease mechanism: loss of function. Inheritance: Various modes of inheritance.

Allele frequency attached by ClinVar (database versions not stated): gnomAD exomes below 0.00001 and 0.00001; TOPMed below 0.00001.

Submissions (3):

Ambry Genetics
Classification: Uncertain significance for Cardiovascular phenotype. Last evaluated: 2025-10-01. Review status: criteria provided, single submitter. Criteria: Ambry Variant Classification Scheme 2023. Collection method: clinical testing. Allele origin: germline.
Comment: The p.M1451V variant (also known as c.4351A>G), located in coding exon 17 of the AKAP9 gene, results from an A to G substitution at nucleotide position 4351. The methionine at codon 1451 is replaced by valine, an amino acid with highly similar properties. This amino acid position is conserved. In addition, this alteration is predicted to be tolerated by in silico analysis. Since supporting evidence is limited at this time, the clinical significance of this alteration remains unclear.

CeGaT Center for Human Genetics Tuebingen
Classification: Likely benign. Last evaluated: 2022-07-01. Review status: criteria provided, single submitter. Criteria: CeGaT Center For Human Genetics Tuebingen Variant Classification Criteria Version 2. Collection method: clinical testing. Allele origin: germline. Affected: yes. Observed: 1 variant allele.
Comment: AKAP9: BP4

Labcorp Genetics (formerly Invitae), Labcorp
Classification: Uncertain significance for Long QT syndrome. Last evaluated: 2022-02-22. Review status: criteria provided, single submitter. Criteria: Invitae Variant Classification Sherloc (09022015). Collection method: clinical testing. Allele origin: germline.
Comment: This variant is present in population databases (no rsID available, gnomAD 0.0009%). This sequence change replaces methionine, which is neutral and non-polar, with valine, which is neutral and non-polar, at codon 1451 of the AKAP9 protein (p.Met1451Val). This variant has not been reported in the literature in individuals affected with AKAP9-related conditions. ClinVar contains an entry for this variant (Variation ID: 527004). Algorithms developed to predict the effect of missense changes on protein structure and function are either unavailable or do not agree on the potential impact of this missense change (SIFT: "Deleterious"; PolyPhen-2: "Probably Damaging"; Align-GVGD: "Class C0"). Algorithms developed to predict the effect of sequence changes on RNA splicing suggest that this variant may create or strengthen a splice site. In summary, the available evidence is currently insufficient to determine the role of this variant in disease. Therefore, it has been classified as a Variant of Uncertain Significance.

NM_005751.5(AKAP9):c.4351A>G (p.Met1451Val)

Gene: AKAP9 (A-kinase anchoring protein 9; plus strand). Cytogenetic location: 7q21.2.
Variant type: single nucleotide variant.
Coding change: c.4351A>G on transcript NM_005751.5 (MANE Select); coding-DNA position 4351, A replaced by G.
Protein change: p.Met1451Val; replaces methionine 1451 with valine.
Molecular consequence: missense variant.
Genome position (GRCh38, 1-based): chr7:92,038,431, A>G. VCF-style: chr7-92038431-A-G. GRCh37 (hg19) VCF-style: chr7-91667745-A-G.
Other names: c.4351A>G, p.Met1451Val (NM_147185.3); short protein forms M1451V.
Identifiers: ClinVar variation 527004 (VCV000527004.43), dbSNP rs1330827109, ClinGen allele CA368128560.